The following is an entry in ClinVar:

ClinVar aggregate classification (germline): Uncertain significance (1 of 4 stars; one submission).

Allele frequency attached by ClinVar (database versions not stated): gnomAD 0.00001; TOPMed 0.00001; ExAC 0.00002.
gnomAD v4.1: 10 of 1,614,108 alleles (0.00062%); no homozygotes.

Submission:

Labcorp Genetics (formerly Invitae), Labcorp
Classification: Uncertain significance. Last evaluated: 2024-08-31. Review status: criteria provided, single submitter. Criteria: Invitae Variant Classification Sherloc (09022015). Collection method: clinical testing. Allele origin: germline.
Comment: This sequence change replaces alanine, which is neutral and non-polar, with threonine, which is neutral and polar, at codon 1142 of the LCT protein (p.Ala1142Thr). This variant is present in population databases (rs763059511, gnomAD 0.02%). This variant has not been reported in the literature in individuals affected with LCT-related conditions. ClinVar contains an entry for this variant (Variation ID: 1924010). Invitae Evidence Modeling of protein sequence and biophysical properties (such as structural, functional, and spatial information, amino acid conservation, physicochemical variation, residue mobility, and thermodynamic stability) indicates that this missense variant is not expected to disrupt LCT protein function with a negative predictive value of 80%. In summary, the available evidence is currently insufficient to determine the role of this variant in disease. Therefore, it has been classified as a Variant of Uncertain Significance.

NM_002299.4(LCT):c.3424G>A (p.Ala1142Thr)

Gene: LCT (lactase; minus strand). Cytogenetic location: 2q21.3.
Variant type: single nucleotide variant.
Coding change: c.3424G>A on transcript NM_002299.4 (MANE Select); coding-DNA position 3424, G replaced by A.
Protein change: p.Ala1142Thr; replaces alanine 1142 with threonine.
Molecular consequence: missense variant.
Genome position (GRCh38, 1-based): chr2:135,808,923, C>T on the plus strand (G>A on the coding strand, the complement: LCT is on the minus strand). VCF-style: chr2-135808923-C-T. GRCh37 (hg19) VCF-style: chr2-136566493-C-T.
Other names: short protein forms A1142T.
Identifiers: ClinVar variation 1924010 (VCV001924010.4), dbSNP rs763059511, ClinGen allele CA1888061.